The following is an entry in ClinVar:

ClinVar aggregate classification (germline): Conflicting classifications of pathogenicity. Review status: criteria provided, conflicting classifications (1 of 4 stars). 5 submissions from 5 submitters: Uncertain significance (2); Benign (1); Likely benign (2). Last evaluated 2025-09-22.

Conditions:
Autosomal recessive ataxia, Beauce type. Also called: Spinocerebellar ataxia, autosomal recessive 8; ATAXIA, RECESSIVE, OF BEAUCE; SYNE1-Related Autosomal Recessive Cerebellar Ataxia; SYNE1 Deficiency. Identifiers: Orphanet 88644, MedGen C1853116, MONDO:0012549, OMIM 610743.
Emery-Dreifuss muscular dystrophy 4, autosomal dominant (EDMD4). Also called: EMERY-DREIFUSS MUSCULAR DYSTROPHY 4 WITH VARIABLE FEATURES. Identifiers: Orphanet 261, MedGen C2751807, MONDO:0013071, OMIM 612998.

Allele frequency attached by ClinVar (database versions not stated): gnomAD exomes 0.00005 and 0.00014; ExAC 0.00021; 1000 Genomes Project 0.00060; TOPMed 0.00068; gnomAD 0.00076 and 0.00082; ESP Exome Variant Server 0.00077; 1000 Genomes Project 30x 0.00078.
gnomAD v4.1: 193 of 1,614,184 alleles (0.012%); highest among the groups gnomAD compares: African/African-American, 0.24%; no homozygotes.

Submissions (5):

Labcorp Genetics (formerly Invitae), Labcorp
Classification: Likely benign for Emery-Dreifuss muscular dystrophy 4, autosomal dominant; Autosomal recessive ataxia, Beauce type. Last evaluated: 2025-09-22. Review status: criteria provided, single submitter. Criteria: Invitae Variant Classification Sherloc (09022015). Collection method: clinical testing. Allele origin: germline.

Revvity Omics, Revvity
Classification: Benign. Last evaluated: 2025-01-27. Review status: criteria provided, single submitter. Criteria: ACMG Guidelines, 2015. Collection method: clinical testing. Allele origin: germline.

GeneDx
Classification: Uncertain significance. Last evaluated: 2024-08-06. Review status: criteria provided, single submitter. Criteria: GeneDx Variant Classification Process June 2021. Collection method: clinical testing. Allele origin: germline. Affected: yes.
Comment: In silico analysis indicates that this missense variant does not alter protein structure/function; Has not been previously published as pathogenic or benign to our knowledge

Athena Diagnostics
Classification: Likely benign. Last evaluated: 2019-06-13. Review status: criteria provided, single submitter. Criteria: Athena Diagnostics Criteria. Collection method: clinical testing. Allele origin: germline.

Eurofins Ntd Llc (ga)
Classification: Uncertain significance. Last evaluated: 2018-02-09. Review status: criteria provided, single submitter. Criteria: EGL ClinVar v180209 classification definitions. Collection method: clinical testing. Allele origin: germline. Observed: 3 variant alleles, 3 heterozygotes.

NM_182961.4(SYNE1):c.24881A>G (p.Asp8294Gly)

Gene: SYNE1 (spectrin repeat containing nuclear envelope protein 1; minus strand). Cytogenetic location: 6q25.2.
Variant type: single nucleotide variant.
Coding change: c.24881A>G on transcript NM_182961.4 (MANE Select); coding-DNA position 24881, A replaced by G.
Protein change: p.Asp8294Gly; replaces aspartic acid 8294 with glycine.
Molecular consequence: missense variant.
Genome position (GRCh38, 1-based): chr6:152,148,140, T>C on the plus strand (A>G on the coding strand, the complement: SYNE1 is on the minus strand). VCF-style: chr6-152148140-T-C. GRCh37 (hg19) VCF-style: chr6-152469275-T-C.
Other names: c.1487A>G, p.Asp496Gly (NM_001347701.2); c.1346A>G, p.Asp449Gly (NM_001347702.2); c.24668A>G, p.Asp8223Gly (NM_033071.5); short protein forms D8294G, D8223G, D449G, D496G.
Identifiers: ClinVar variation 282456 (VCV000282456.25), dbSNP rs138407813, ClinGen allele CA4053051.